The following is an entry in ClinVar:

NM_000090.4(COL3A1):c.2283+5G>A

Gene: COL3A1 (collagen type III alpha 1 chain; plus strand). Cytogenetic location: 2q32.2.
Variant type: single nucleotide variant.
Coding change: c.2283+5G>A on transcript NM_000090.4 (MANE Select); 5 bases into the intron after coding-DNA position 2283, G replaced by A.
Molecular consequence: intron variant.
Genome position (GRCh38, 1-based): chr2:188,999,900, G>A. VCF-style: chr2-188999900-G-A. GRCh37 (hg19) VCF-style: chr2-189864626-G-A.
Identifiers: ClinVar variation 2203230 (VCV002203230.4), dbSNP rs2469145088, ClinGen allele CA2580065320.

ClinVar aggregate classification (germline): Uncertain significance (1 of 4 stars; one submission).

Conditions:
Ehlers-Danlos syndrome, type 4 (EDSVASC). Also called: Ehlers-Danlos syndrome vascular type; Ehlers Danlos syndrome, ecchymotic type; Ehlers Danlos syndrome, arterial type; Ehlers Danlos syndrome, Sack-Barabas type; Ehlers-Danlos Syndrome Type IV. Identifiers: Orphanet 286, MedGen C0268338, MONDO:0017314, OMIM 130050.

Submission:

Labcorp Genetics (formerly Invitae), Labcorp
Classification: Uncertain significance for Ehlers-Danlos syndrome, type 4. Last evaluated: 2022-06-28. Review status: criteria provided, single submitter. Criteria: Invitae Variant Classification Sherloc (09022015). Collection method: clinical testing. Allele origin: germline.
Comment: This sequence change falls in intron 32 of the COL3A1 gene. It does not directly change the encoded amino acid sequence of the COL3A1 protein. It affects a nucleotide within the consensus splice site. This variant is not present in population databases (gnomAD no frequency). This variant has been observed in individuals with clinical features of vascular Ehlers-Danlos syndrome (PMID: 25758994; Invitae). In summary, the available evidence is currently insufficient to determine the role of this variant in disease. Therefore, it has been classified as a Variant of Uncertain Significance. Variants that disrupt the consensus splice site are a relatively common cause of aberrant splicing (PMID: 17576681, 9536098). Algorithms developed to predict the effect of sequence changes on RNA splicing suggest that this variant may disrupt the consensus splice site.

Literature cited by the submitters: PubMed 25758994; PubMed 17576681; PubMed 9536098.